The following is an entry in ClinVar:

NM_001382430.1(AKT1):c.441G>A (p.Met147Ile)

Gene: AKT1 (AKT serine/threonine kinase 1; minus strand). Cytogenetic location: 14q32.33.
Variant type: single nucleotide variant.
Coding change: c.441G>A on transcript NM_001382430.1 (MANE Select); coding-DNA position 441, G replaced by A.
Protein change: p.Met147Ile; replaces methionine 147 with isoleucine.
Molecular consequence: missense variant.
Genome position (GRCh38, 1-based): chr14:104,775,202, C>T on the plus strand (G>A on the coding strand, the complement: AKT1 is on the minus strand). VCF-style: chr14-104775202-C-T. GRCh37 (hg19) VCF-style: chr14-105241539-C-T.
Other names: c.441G>A, p.Met147Ile (NM_001014431.2, NM_001014432.2, NM_001382431.1 and 3 more transcripts); short protein forms M147I.
Identifiers: ClinVar variation 4869215 (VCV004869215.1).

ClinVar aggregate classification (germline): Uncertain significance (1 of 4 stars; one submission).

Conditions:
Inborn genetic diseases. Identifiers: MedGen C0950123, MeSH D030342.

Submission:

Ambry Genetics
Classification: Uncertain significance for Inborn genetic diseases. Last evaluated: 2026-03-29. Review status: criteria provided, single submitter. Criteria: Ambry Variant Classification Scheme 2023. Collection method: clinical testing. Allele origin: germline.
Comment: The p.M147I variant (also known as c.441G>A), located in coding exon 5 of the AKT1 gene, results from a G to A substitution at nucleotide position 441. The methionine at codon 147 is replaced by isoleucine, an amino acid with highly similar properties. This amino acid position is conserved. In addition, this alteration is predicted to be tolerated by in silico analysis. Based on the available evidence, the clinical significance of this variant remains unclear.